The following is an entry in ClinVar:

NM_015662.3(IFT172):c.4780T>C (p.Phe1594Leu)

Genes: IFT172 (intraflagellar transport 172; minus strand), KRTCAP3 (keratinocyte associated protein 3; plus strand). Cytogenetic location: 2p23.3.
Variant type: single nucleotide variant.
Coding change: c.4780T>C on transcript NM_015662.3 (MANE Select); coding-DNA position 4780, T replaced by C.
Protein change: p.Phe1594Leu; replaces phenylalanine 1594 with leucine.
Molecular consequence: missense variant. On other transcripts: intron variant (1).
Genome position (GRCh38, 1-based): chr2:27,445,964, A>G on the plus strand (T>C on the coding strand, the complement: IFT172 is on the minus strand). VCF-style: chr2-27445964-A-G. GRCh37 (hg19) VCF-style: chr2-27668831-A-G.
Other names: c.4714T>C, p.Phe1572Leu (NM_001410739.1); c.*6-337A>G (NM_001168364.2); short protein forms F1572L, F1594L.
Identifiers: ClinVar variation 2122112 (VCV002122112.4), dbSNP rs2465791123, ClinGen allele CA346415179.

ClinVar aggregate classification (germline): Uncertain significance (1 of 4 stars; one submission).

Conditions:
Short-rib thoracic dysplasia 10 with or without polydactyly (SRTD10). Identifiers: Orphanet 474, MedGen C3810175, MONDO:0014284, OMIM 615630.
Retinitis pigmentosa 71 (RP71). Identifiers: Orphanet 791, MedGen C4225342, MONDO:0014618, OMIM 616394.

Submission:

Labcorp Genetics (formerly Invitae), Labcorp
Classification: Uncertain significance for Retinitis pigmentosa 71; Short-rib thoracic dysplasia 10 with or without polydactyly. Last evaluated: 2025-04-28. Review status: criteria provided, single submitter. Criteria: Invitae Variant Classification Sherloc (09022015). Collection method: clinical testing. Allele origin: germline.
Comment: This sequence change replaces phenylalanine, which is neutral and non-polar, with leucine, which is neutral and non-polar, at codon 1594 of the IFT172 protein (p.Phe1594Leu). This variant is not present in population databases (gnomAD no frequency). This variant has not been reported in the literature in individuals affected with IFT172-related conditions. ClinVar contains an entry for this variant (Variation ID: 2122112). Invitae Evidence Modeling of protein sequence and biophysical properties (such as structural, functional, and spatial information, amino acid conservation, physicochemical variation, residue mobility, and thermodynamic stability) indicates that this missense variant is not expected to disrupt IFT172 protein function with a negative predictive value of 95%. In summary, the available evidence is currently insufficient to determine the role of this variant in disease. Therefore, it has been classified as a Variant of Uncertain Significance.